The following is an entry in ClinVar:

NM_000038.6(APC):c.2537_3532del (p.Ser846_Asp1178delinsTyr)

Gene: APC (APC regulator of Wnt signaling pathway; plus strand). Cytogenetic location: 5q22.2.
Variant type: Deletion.
Coding change: c.2537_3532del on transcript NM_000038.6 (MANE Select); coding-DNA positions 2537 to 3532, 996 bases deleted.
Protein change: p.Ser846_Asp1178delinsTyr.
Molecular consequence: inframe indel. On other transcripts: non-coding transcript variant (2).
Genome position (GRCh38, 1-based): chr5:112,838,131-112,839,126, 996 bases deleted. GRCh37 (hg19): chr5:112,173,828-112,174,823.
Other names: c.2150_3145del, p.Ser717_Asp1049delinsTyr (NM_001407467.1, NM_001407469.1); c.1688_2683del, p.Ser563_Asp895delinsTyr (NM_001407470.1, NM_001354906.2); c.1385_2380del, p.Ser462_Asp794delinsTyr (NM_001407471.1, NM_001407472.1); c.2234_3229del, p.Ser745_Asp1077delinsTyr (NM_001407459.1, NM_001407460.1, NM_001407458.1 and 1 more transcripts); c.2159_3154del, p.Ser720_Asp1052delinsTyr (NM_001354904.2); c.2057_3052del, p.Ser686_Asp1018delinsTyr (NM_001354905.2); c.2621_3616del, p.Ser874_Asp1206delinsTyr (NM_001407446.1); c.2591_3586del, p.Ser864_Asp1196delinsTyr (NM_001407447.1, NM_001407448.1, NM_001407449.1 and 1 more transcripts); and 11 more.
Identifiers: ClinVar variation 4530191 (VCV004530191.1).

ClinVar aggregate classification (somatic clinical impact): Tier I - Strong (1 of 4 stars; one submission).

Conditions:
Desmoid tumor. Also called: Desmoid tumour; Aggressive fibromatosis. Identifiers: Orphanet 873, MedGen C0079218, MONDO:0007608, HP:6001034.

Submission:

Institute for Genomic Medicine (IGM) Clinical Laboratory, Nationwide Children's Hospital
Classification: Tier I - Strong for Desmoid tumor. Assertion type: diagnostic. Clinical significance: supports diagnosis. Last evaluated: 2024-03-08. Review status: criteria provided, single submitter. Criteria: AMP/ASCO/CAP Guidelines, 2017. Collection method: clinical testing. Allele origin: somatic. Affected: yes.
Comment: Variant has Tier I (strong) clinical significance as a diagnostic inclusion criterion in desmoid tumor, based on the following evidence: 1) Appears in one or more well-established professional guidelines (e.g., World Health Organization [WHO]; National Comprehensive Cancer Network [NCCN]) as providing diagnostic, prognostic, or therapeutic information. 2) Diagnostic for a specific tumor type/classification based on well-powered studies with expert-level consensus (Evidence Level B; PMIDs: 10782927, 815035, 11241320, 15095846, 18722078).

Literature cited by the submitters: PubMed 10782927; PubMed 815035; PubMed 11241320; PubMed 15095846; PubMed 18722078.